The following is an entry in ClinVar:

NM_006521.6(TFE3):c.560C>T (p.Thr187Met)

Gene: TFE3 (transcription factor binding to IGHM enhancer 3; minus strand). Cytogenetic location: Xp11.23.
Variant type: single nucleotide variant.
Coding change: c.560C>T on transcript NM_006521.6 (MANE Select); coding-DNA position 560, C replaced by T.
Protein change: p.Thr187Met; replaces threonine 187 with methionine.
Molecular consequence: missense variant.
Genome position (GRCh38, 1-based): chrX:49,038,417, G>A on the plus strand (C>T on the coding strand, the complement: TFE3 is on the minus strand). VCF-style: chrX-49038417-G-A. GRCh37 (hg19) VCF-style: chrX-48895942-G-A.
Other names: c.245C>T, p.Thr82Met (NM_001282142.2); short protein forms T187M, T82M.
Identifiers: ClinVar variation 985315 (VCV000985315.27), dbSNP rs2064742925, ClinGen allele CA412910890.
Genomic context (GRCh38, chrX:49,038,417, plus strand): 5'-AGTGTGGTGGACAGGTACTGTTTCACCTGCTGCCGGCGCGCCTGCTGCAGGTGGTAGCGC[G>A]TTGGGTTCTCCAGATGGGTCTGCACCTGTGAAATAAGGTAGACAAGGAAAGAGAGGGGAC-3'
Protein context (NP_006512.2, residues 177-197): LKVQTHLENP[Thr187Met]RYHLQQARRQ

ClinVar aggregate classification (germline): Pathogenic/Likely pathogenic. Review status: criteria provided, multiple submitters, no conflicts (2 of 4 stars). 14 submissions from 14 submitters: Pathogenic (10); Likely pathogenic (3). 1 of the submissions does not count toward it. Last evaluated 2026-01-26.

Conditions:
Intellectual developmental disorder, X-linked, syndromic, with pigmentary mosaicism and coarse facies. Identifiers: MedGen C5561930, MONDO:0859080, OMIM 301066.
Renal cell carcinoma. Identifiers: Orphanet 217071, MedGen C0007134, MeSH D002292, MONDO:0005086, HP:0005584.
TFE3-related disorder. Also called: TFE3-related condition.
Inborn genetic diseases. Identifiers: MedGen C0950123, MeSH D030342.
Neurodevelopmental abnormality. Identifiers: MedGen C4022737, HP:0012759.

Submissions (14):

Medical and Scientific Branch, Hong Kong Genome Institute
Classification: Pathogenic for Intellectual developmental disorder, X-linked, syndromic, with pigmentary mosaicism and coarse facies. Last evaluated: 2026-01-26. Review status: criteria provided, single submitter. Criteria: ACMG Guidelines, 2015. Collection method: clinical testing. Allele origin: de novo. Affected: yes.

CeGaT Center for Human Genetics Tuebingen
Classification: Pathogenic. Last evaluated: 2025-10-01. Review status: criteria provided, single submitter. Criteria: CeGaT Center For Human Genetics Tuebingen Variant Classification Criteria Version 2. Collection method: clinical testing. Allele origin: germline. Affected: yes. Observed: 1 variant allele.
Comment: TFE3: PS2, PM1, PM2, PM5, PS4:Moderate

Victorian Clinical Genetics Services, Murdoch Childrens Research Institute
Classification: Pathogenic for Intellectual developmental disorder, X-linked, syndromic, with pigmentary mosaicism and coarse facies. Last evaluated: 2025-09-22. Review status: criteria provided, single submitter. Criteria: ACMG Guidelines, 2015. Collection method: clinical testing. Allele origin: germline. Affected: yes.
Comment: This variant is classified as Pathogenic. Evidence in support of pathogenic classification: Variant is absent from gnomAD (v2, v3 and v4); This variant has strong previous evidence of pathogenicity in unrelated individuals. This variant has been classified as likely pathogenic and pathogenic by clinical laboratories in ClinVar, and has been reported in the literature as de novo in individuals with syndromic intellectual disability (PMID: 32409512); Variant is located in a hotspot region or cluster of PATHOGENIC variants (DECIPHER); Additional information: Variant is predicted to result in a missense amino acid change from Thr to Met; This variant is hemizygous; This gene is associated with X-linked disease; Gain of function is the suggested mechanism of disease and is associated with intellectual developmental disorder, X-linked syndromic, with pigmentary mosaicism and coarse facies (MIM#301066; PMID: 30595499).

3billion
Classification: Pathogenic for Intellectual developmental disorder, X-linked, syndromic, with pigmentary mosaicism and coarse facies. Last evaluated: 2025-06-26. Review status: criteria provided, single submitter. Criteria: ACMG Guidelines, 2015. Collection method: clinical testing. Allele origin: germline. Affected: yes.
Comment: The variant is not observed in the gnomAD v4.1.0 dataset. Predicted Consequence/Location: Missense variant. Missense changes are a common disease-causing mechanism. In silico tool predictions suggest damaging effect of the variant on gene or gene product [3Cnet: 0.99 (> 0.75, sensitivity 0.96 and precision 0.92)]. The same nucleotide change resulting in the same amino acid change has been previously reported as pathogenic/likely pathogenic with strong evidence (ClinVar ID: VCV000985315 /3billion dataset). The variant has been previously reported as de novo in a similarly affected individual (PMID: 32409512). The variant has been observed in at least two similarly affected unrelated individuals (PMID: 32409512). Different missense changes at the same codon (p.Thr187Ala, p.Thr187Arg, p.Thr187Lys, p.Thr187Pro) have been reported as pathogenic/likely pathogenic with strong evidence (ClinVar ID: VCV001301861, VCV001320026, VCV002444265 /PMID: 30595499, 32409512 /3billion dataset). Therefore, this variant is classified as Pathogenic according to the recommendation of ACMG/AMP guideline.

Dubai Health Genomic Medicine Center, Dubai Health
Classification: Pathogenic for Renal cell carcinoma. Last evaluated: 2024-10-04. Review status: criteria provided, single submitter. Criteria: ACMG Guidelines, 2015. Collection method: research. Allele origin: germline. Affected: yes.
Comment: PS2,PS4,PP3

Blueprint Genetics
Classification: Pathogenic for TFE3-related disorders. Last evaluated: 2024-08-28. Review status: criteria provided, single submitter. Criteria: ACMG Guidelines, 2015. Collection method: clinical testing. Allele origin: de novo. Affected: yes. Observed: 4 variant alleles.

Laboratory of Medical Genetics, National & Kapodistrian University of Athens
Classification: Pathogenic for Intellectual developmental disorder, X-linked, syndromic, with pigmentary mosaicism and coarse facies. Last evaluated: 2024-02-01. Review status: criteria provided, single submitter. Criteria: ACMG Guidelines, 2015. Collection method: clinical testing. Allele origin: germline. Affected: yes.
Comment: PM1, PM2, PM5, PP3, PP5 - ClinVar contains an entry for this variant (Variation ID: 985315). Low frequency in gnomAD population databases. In silico prediction tools estimated that the variant could be damaging for the protein function/stracture.

Ambry Genetics
Classification: Pathogenic for Inborn genetic diseases. Last evaluated: 2024-01-29. Review status: criteria provided, single submitter. Criteria: Ambry Variant Classification Scheme 2023. Collection method: clinical testing. Allele origin: germline.
Comment: The c.560C>T (p.T187M) alteration is located in coding exon 4 of the TFE3 gene. This alteration results from a C to T substitution at nucleotide position 560, causing the threonine (T) at amino acid position 187 to be replaced by a methionine (M). This variant was not reported in population-based cohorts in the Genome Aggregation Database (gnomAD). Other alterations at the same codon, c.559A>C (p.T187P), c.560C>G (p.T187R), and c.560C>A (p.T187K), have been reported de novo in individuals with features consistent with TFE3-related neurodevelopmental disorder (Lehalle, 2020). This amino acid position is highly conserved in available vertebrate species. The in silico prediction for this alteration is inconclusive. Based on the available evidence, this alteration is classified as pathogenic.

Pittsburgh Clinical Genomics Laboratory, University of Pittsburgh Medical Center
Classification: Likely pathogenic for Intellectual developmental disorder, X-linked, syndromic, with pigmentary mosaicism and coarse facies. Last evaluated: 2023-04-28. Review status: criteria provided, single submitter. Criteria: ACMG Guidelines, 2015. Collection method: clinical testing. Allele origin: germline. Inheritance: X-linked inheritance. Affected: yes.
Comment: This sequence variant is a single nucleotide substitution (C>T) at coding position 560 of the TFE3 gene that results in a threonine to methionine amino acid change at residue 187 of the TFE3 protein. This is a previously reported variant (ClinVar) that has been observed in the literature as a de novo variant in multiple individuals with neurodevelopmental disorder and hypomelanosis of Ito or Blaschko's lines (PMID: 32409512, 35346031, 35503477). This variant is absent from the gnomAD population database (0 of ~250,000 alleles). Multiple bioinformatic tools predict that this variant would be damaging, and the Thr187 residue is highly conserved across the vertebrate species examined. Multiple alterte amino acid residues have been reported as pathogenic at this position (ClinVar). Functiol studies testing the effect of this variant have not been performed, to our knowledge. Given the available evidence, we consider this variant likely pathogenic. ACMG Criteria: PM2, PP3, PP5, PS4

Institute of Human Genetics Munich, TUM University Hospital
Classification: Pathogenic for Intellectual developmental disorder, X-linked, syndromic, with pigmentary mosaicism and coarse facies. Last evaluated: 2023-02-27. Review status: criteria provided, single submitter. Criteria: Classification criteria August 2017. Collection method: clinical testing. Allele origin: de novo. Inheritance: X-linked inheritance. Affected: yes. Observed: 1 variant allele.

Labcorp Genetics (formerly Invitae), Labcorp
Classification: Pathogenic. Last evaluated: 2023-01-13. Review status: criteria provided, single submitter. Criteria: Invitae Variant Classification Sherloc (09022015). Collection method: clinical testing. Allele origin: germline.
Comment: For these reasons, this variant has been classified as Pathogenic. Algorithms developed to predict the effect of missense changes on protein structure and function are either unavailable or do not agree on the potential impact of this missense change (SIFT: "Tolerated"; PolyPhen-2: "Possibly Damaging"; Align-GVGD: "Class C0"). ClinVar contains an entry for this variant (Variation ID: 985315). This missense change has been observed in individual(s) with X-linked intellectual disability syndrome (PMID: 32409512). In at least one individual the variant was observed to be de novo. This variant is not present in population databases (gnomAD no frequency). This sequence change replaces threonine, which is neutral and polar, with methionine, which is neutral and non-polar, at codon 187 of the TFE3 protein (p.Thr187Met).

Centre of Medical Genetics, University Hospital Muenster
Classification: Likely pathogenic for Intellectual developmental disorder, X-linked, syndromic, with pigmentary mosaicism and coarse facies. Last evaluated: 2022-04-04. Review status: criteria provided, single submitter. Criteria: ACMG Guidelines, 2015. Collection method: clinical testing. Allele origin: germline. Affected: yes. Observed: 1 variant allele, 1 heterozygote.
Comment: ACMG categories: PM2,PM6,PP3,PP5

Equipe Genetique des Anomalies du Developpement, Université de Bourgogne
Classification: Likely pathogenic for Neurodevelopmental abnormality. Last evaluated: 2021-10-28. Review status: criteria provided, single submitter. Criteria: ACMG Guidelines, 2015. Collection method: clinical testing. Allele origin: de novo. Affected: yes.

OMIM
Classification: Pathogenic for INTELLECTUAL DEVELOPMENTAL DISORDER, X-LINKED, SYNDROMIC, WITH PIGMENTARY MOSAICISM AND COARSE FACIES. Last evaluated: 2021-10-27. Review status: no assertion criteria provided. Collection method: literature only. Allele origin: germline. Not counted in ClinVar's aggregate classification.

Literature cited by the submitters: PubMed 32409512 (cited by 5 submitters); PubMed 30595499 (cited by 4 submitters); PubMed 35503477 (cited by Pittsburgh Clinical Genomics Laboratory, University of Pittsburgh Medical Center); PubMed 35346031 (cited by Pittsburgh Clinical Genomics Laboratory, University of Pittsburgh Medical Center).